The following is an entry in ClinVar:

NM_001040108.2(MLH3):c.178G>T (p.Gly60Trp)

Gene: MLH3 (mutL homolog 3; minus strand). Cytogenetic location: 14q24.3.
Variant type: single nucleotide variant.
Coding change: c.178G>T on transcript NM_001040108.2 (MANE Select); coding-DNA position 178, G replaced by T.
Protein change: p.Gly60Trp; replaces glycine 60 with tryptophan.
Molecular consequence: missense variant.
Genome position (GRCh38, 1-based): chr14:75,049,478, C>A on the plus strand (G>T on the coding strand, the complement: MLH3 is on the minus strand). VCF-style: chr14-75049478-C-A. GRCh37 (hg19) VCF-style: chr14-75516181-C-A.
Other names: c.178G>T, p.Gly60Trp (NM_014381.3); short protein forms G60W.
Identifiers: ClinVar variation 3232456 (VCV003232456.1), dbSNP rs1412532548, ClinGen allele CA390451411.

ClinVar aggregate classification (germline): Uncertain significance (1 of 4 stars; one submission).

Allele frequency attached by ClinVar (database versions not stated): gnomAD exomes below 0.00001.
gnomAD v4.1: 1 of 1,614,186 alleles (0.000062%); highest among the groups gnomAD compares: Non-Finnish European, 0.000085%; no homozygotes.

Submission:

Ambry Genetics
Classification: Uncertain significance. Last evaluated: 2023-10-12. Review status: criteria provided, single submitter. Criteria: Ambry Variant Classification Scheme 2023. Collection method: clinical testing. Allele origin: germline.
Comment: The p.G60W variant (also known as c.178G>T), located in coding exon 1 of the MLH3 gene, results from a G to T substitution at nucleotide position 178. The glycine at codon 60 is replaced by tryptophan, an amino acid with highly dissimilar properties. This amino acid position is conserved. In addition, this alteration is predicted to be deleterious by in silico analysis. Since supporting evidence is limited at this time, the clinical significance of this alteration remains unclear.